The following is an entry in ClinVar:

ClinVar aggregate classification (germline): Pathogenic. Review status: criteria provided, multiple submitters, no conflicts (2 of 4 stars). 2 submissions from 2 submitters: Pathogenic (2). Last evaluated 2026-07-05.

Conditions:
Inborn genetic diseases. Identifiers: MedGen C0950123, MeSH D030342.
KBG syndrome (KBGS). Also called: ANKRD11-Related KBG Syndrome. Identifiers: Orphanet 2332, MedGen C0220687, MONDO:0007846, OMIM 148050.

Submissions (2):

Umrani?ye Training and Research Hospital
Classification: Pathogenic for KBG syndrome. Last evaluated: 2026-07-05. Review status: criteria provided, single submitter. Criteria: ACMG Guidelines, 2015. Collection method: clinical testing. Allele origin: germline. Inheritance: Autosomal dominant inheritance. Affected: yes.
Comment: PVS1, PM2

Ambry Genetics
Classification: Pathogenic for Inborn genetic diseases. Last evaluated: 2025-04-04. Review status: criteria provided, single submitter. Criteria: Ambry Variant Classification Scheme 2023. Collection method: clinical testing. Allele origin: germline.
Comment: The c.2752G>T (p.E918*) alteration, located in exon 9 (coding exon 7) of the ANKRD11 gene, consists of a G to T substitution at nucleotide position 2752. This changes the amino acid from a glutamic acid (E) to a stop codon at amino acid position 918. This alteration is expected to result in loss of function by premature protein truncation or nonsense-mediated mRNA decay. This variant was not reported in population-based cohorts in the Genome Aggregation Database (gnomAD). Another alteration resulting in the same nonsense variant at this codon, c.2751dup (p.E918*), was determined to be de novo in an individual with features consistent with KBG syndrome (Ockeloen, 2015). Based on the available evidence, this alteration is classified as pathogenic.

Literature cited by the submitters: PubMed 42808190 (cited by Umrani?ye Training and Research Hospital); PubMed 25424714 (cited by Ambry Genetics).

NM_013275.6(ANKRD11):c.2752G>T (p.Glu918Ter)

Gene: ANKRD11 (ankyrin repeat domain 11; minus strand). Cytogenetic location: 16q24.3.
Variant type: single nucleotide variant.
Coding change: c.2752G>T on transcript NM_013275.6 (MANE Select); coding-DNA position 2752, G replaced by T.
Protein change: p.Glu918Ter; replaces glutamic acid 918 with a stop codon.
Molecular consequence: nonsense.
Genome position (GRCh38, 1-based): chr16:89,283,790, C>A on the plus strand (G>T on the coding strand, the complement: ANKRD11 is on the minus strand). VCF-style: chr16-89283790-C-A. GRCh37 (hg19) VCF-style: chr16-89350198-C-A.
Other names: NP_037407.4:p.(Glu918Ter); c.2752G>T, p.Glu918Ter (NM_001256182.2, NM_001256183.2); short protein forms E918*.
Identifiers: ClinVar variation 4054155 (VCV004054155.2).